The following is an entry in ClinVar:

ClinVar aggregate classification (germline): Uncertain significance (1 of 4 stars; one submission).

Conditions:
Early-infantile DEE. Also called: Ohtahara syndrome; Early infantile epileptic encephalopathy with suppression bursts; Early infantile epileptic encephalopathy. Identifiers: Orphanet 1934, MedGen C0393706, MONDO:0800491.

gnomAD v4.1: 1 of 1,523,626 alleles (0.000066%); highest among the groups gnomAD compares: African/African-American, 0.0014%; no homozygotes.

Submission:

Labcorp Genetics (formerly Invitae), Labcorp
Classification: Uncertain significance for Early-infantile DEE. Last evaluated: 2025-12-08. Review status: criteria provided, single submitter. Criteria: Invitae Variant Classification Sherloc (09022015). Collection method: clinical testing. Allele origin: germline.
Comment: This sequence change falls in intron 36 of the SPTAN1 gene. It does not directly change the encoded amino acid sequence of the SPTAN1 protein. This variant is not present in population databases (gnomAD no frequency). This variant has not been reported in the literature in individuals affected with SPTAN1-related conditions. ClinVar contains an entry for this variant (Variation ID: 3686892). Algorithms developed to predict the effect of sequence changes on RNA splicing suggest that this variant may disrupt the consensus splice site. In summary, the available evidence is currently insufficient to determine the role of this variant in disease. Therefore, it has been classified as a Variant of Uncertain Significance.

NM_001130438.3(SPTAN1):c.4759-19T>A

Gene: SPTAN1 (spectrin alpha, non-erythrocytic 1; plus strand). Cytogenetic location: 9q34.11.
Variant type: single nucleotide variant.
Coding change: c.4759-19T>A on transcript NM_001130438.3 (MANE Select); 19 bases into the intron before coding-DNA position 4759, T replaced by A.
Molecular consequence: intron variant.
Genome position (GRCh38, 1-based): chr9:128,609,632, T>A. VCF-style: chr9-128609632-T-A. GRCh37 (hg19) VCF-style: chr9-131371911-T-A.
Other names: c.4759-19T>A (NM_001375311.2, NM_001375310.1, NM_001363759.2 and 1 more transcripts); c.4699-19T>A (NM_001375314.2, NM_001363765.2); c.4758+348T>A (NM_003127.4); c.4698+348T>A (NM_001195532.2); c.4795-19T>A (NM_001375318.1, NM_001375312.2).
Identifiers: ClinVar variation 3686892 (VCV003686892.2).